The following is an entry in ClinVar:

NM_001378778.1(MPDZ):c.4702C>T (p.Gln1568Ter)

Gene: MPDZ (multiple PDZ domain crumbs cell polarity complex component; minus strand). Cytogenetic location: 9p23.
Variant type: single nucleotide variant.
Coding change: c.4702C>T on transcript NM_001378778.1 (MANE Select); coding-DNA position 4702, C replaced by T.
Protein change: p.Gln1568Ter; replaces glutamine 1568 with a stop codon.
Molecular consequence: nonsense.
Genome position (GRCh38, 1-based): chr9:13,125,321, G>A on the plus strand (C>T on the coding strand, the complement: MPDZ is on the minus strand). VCF-style: chr9-13125321-G-A. GRCh37 (hg19) VCF-style: chr9-13125320-G-A.
Other names: c.4603C>T, p.Gln1535Ter (NM_001261406.2, NM_001261407.2, NM_001375416.1 and 3 more transcripts); c.4702C>T, p.Gln1568Ter (NM_001330637.2, NM_003829.5); c.4801C>T, p.Gln1601Ter (NM_001375413.1); c.4492C>T, p.Gln1498Ter (NM_001375420.1, NM_001375421.1, NM_001375422.1 and 4 more transcripts); c.4294C>T, p.Gln1432Ter (NM_001375427.1); short protein forms Q1432*, Q1498*, Q1535*, Q1568*, Q1601*.
Identifiers: ClinVar variation 1709356 (VCV001709356.2), dbSNP rs746360632, ClinGen allele CA4986595.

ClinVar aggregate classification (germline): Likely pathogenic (1 of 4 stars; one submission).

Conditions:
Hydrocephalus, nonsyndromic, autosomal recessive 2. Also called: Hydrocephalus, congenital, 2, with or without brain or eye anomalies. Identifiers: Orphanet 2185, MedGen C3554691, MONDO:0014085, OMIM 615219.

Allele frequency attached by ClinVar (database versions not stated): gnomAD 0.00001; ExAC 0.00002.
gnomAD v4.1: 12 of 1,613,724 alleles (0.00074%); highest among the groups gnomAD compares: East Asian, 0.025%; no homozygotes.

Submission:

MGZ Medical Genetics Center
Classification: Likely pathogenic for Hydrocephalus, nonsyndromic, autosomal recessive 2. Last evaluated: 2022-05-04. Review status: criteria provided, single submitter. Criteria: ACMG Guidelines, 2015. Collection method: clinical testing. Allele origin: germline. Affected: yes. Observed: 1 variant allele.
Comment: ACMG criteria applied: PVS1, PM2_SUP